The following is an entry in ClinVar:

NM_144508.5(KNL1):c.4695T>C (p.Asn1565=)

Gene: KNL1 (kinetochore scaffold 1; plus strand). Cytogenetic location: 15q15.1.
Variant type: single nucleotide variant.
Coding change: c.4695T>C on transcript NM_144508.5 (MANE Select); coding-DNA position 4695, T replaced by C.
Protein change: p.Asn1565=; no amino-acid change (asparagine 1565 retained).
Molecular consequence: synonymous variant.
Genome position (GRCh38, 1-based): chr15:40,624,959, T>C. VCF-style: chr15-40624959-T-C. GRCh37 (hg19) VCF-style: chr15-40917157-T-C.
Other names: c.4773T>C, p.Asn1591= (NM_170589.5).
Identifiers: ClinVar variation 3053106 (VCV003053106.2), dbSNP rs777839338, ClinGen allele CA7483216.
Genomic context (GRCh38, chr15:40,624,959, plus strand): 5'-TGTAATTACATCTAATGTTCCATGTTTTCATAGTATCAAACCAAATCTGAATAATTTGAA[T>C]GGAAAAACTGGAGAGTTTTTAGCCTTTCAAACTGTTCATCTACCACCCCTTCCAGAGCAA-3'
Protein context (NP_653091.3, residues 1555-1575): HSIKPNLNNL[Asn1565=]GKTGEFLAFQ

ClinVar aggregate classification (germline): Likely benign (0 of 4 stars; one submission).

Conditions:
KNL1-related disorder. Also called: KNL1-related condition.

Allele frequency attached by ClinVar (database versions not stated): TOPMed below 0.00001; ExAC 0.00001.
gnomAD v4.1: 10 of 1,613,882 alleles (0.00062%); highest among the groups gnomAD compares: Middle Eastern, 0.033%; no homozygotes.

Submission:

PreventionGenetics, part of Exact Sciences
Classification: Likely benign for KNL1-related condition. Last evaluated: 2019-09-05. Review status: no assertion criteria provided. Collection method: clinical testing. Allele origin: germline.
Comment: This variant is classified as likely benign based on ACMG/AMP sequence variant interpretation guidelines (Richards et al. 2015 PMID: 25741868, with internal and published modifications).